The following is an entry in ClinVar:

ClinVar aggregate classification (germline): Uncertain significance (1 of 4 stars; one submission).

Submission:

Labcorp Genetics (formerly Invitae), Labcorp
Classification: Uncertain significance. Last evaluated: 2024-06-08. Review status: criteria provided, single submitter. Criteria: Invitae Variant Classification Sherloc (09022015). Collection method: clinical testing. Allele origin: germline.
Comment: This sequence change falls in intron 11 of the A2ML1 gene. It does not directly change the encoded amino acid sequence of the A2ML1 protein. It affects a nucleotide within the consensus splice site. This variant is not present in population databases (gnomAD no frequency). This variant has not been reported in the literature in individuals affected with A2ML1-related conditions. Variants that disrupt the consensus splice site are a relatively common cause of aberrant splicing (PMID: 17576681, 9536098). Algorithms developed to predict the effect of sequence changes on RNA splicing suggest that this variant may disrupt the consensus splice site. In summary, the available evidence is currently insufficient to determine the role of this variant in disease. Therefore, it has been classified as a Variant of Uncertain Significance.

Literature cited by the submitters: PubMed 17576681; PubMed 9536098.

NM_144670.6(A2ML1):c.1249-3C>G

Gene: A2ML1 (alpha-2-macroglobulin like 1; plus strand). Cytogenetic location: 12p13.31.
Variant type: single nucleotide variant.
Coding change: c.1249-3C>G on transcript NM_144670.6 (MANE Select); 3 bases into the intron before coding-DNA position 1249, C replaced by G.
Molecular consequence: intron variant.
Genome position (GRCh38, 1-based): chr12:8,843,131, C>G. VCF-style: chr12-8843131-C-G. GRCh37 (hg19) VCF-style: chr12-8995727-C-G.
Identifiers: ClinVar variation 3655883 (VCV003655883.2).
Genomic context (GRCh38, chr12:8,843,131, plus strand): 5'-AGTCCGTGGGGTTTCCATGGTTGGAGCACATGCTAAAATTCTCTCTCTCTCTTTTATTCT[C>G]AGGGAAAGTTTCAAATGGAAGACTTAGTATATAATCCGGAACAAGTGCCACGTTACTACC-3'